The following is an entry in ClinVar:

NM_003791.4(MBTPS1):c.924C>T (p.Ile308=)

Genes: MBTPS1 (membrane bound transcription factor peptidase, site 1; minus strand), LOC126862423 (CDK7 strongly-dependent group 2 enhancer GRCh37_chr16:84125154-84126353; plus strand). Cytogenetic location: 16q23.3.
Variant type: single nucleotide variant.
Coding change: c.924C>T on transcript NM_003791.4 (MANE Select); coding-DNA position 924, C replaced by T.
Protein change: p.Ile308=; no amino-acid change (isoleucine 308 retained).
Molecular consequence: synonymous variant.
Genome position (GRCh38, 1-based): chr16:84,091,771, G>A on the plus strand (C>T on the coding strand, the complement: MBTPS1 is on the minus strand). VCF-style: chr16-84091771-G-A. GRCh37 (hg19) VCF-style: chr16-84125376-G-A.
Identifiers: ClinVar variation 2077674 (VCV002077674.23), dbSNP rs150029071, ClinGen allele CA8201575.

ClinVar aggregate classification (germline): Likely benign. Review status: criteria provided, multiple submitters, no conflicts (2 of 4 stars). 2 submissions from 2 submitters: Likely benign (2). Last evaluated 2025-07-03.

Allele frequency attached by ClinVar (database versions not stated): gnomAD 0.00005; ExAC 0.00008; ESP Exome Variant Server 0.00008; TOPMed 0.00009; gnomAD exomes 0.00010.
gnomAD v4.1: 151 of 1,613,958 alleles (0.0094%); highest among the groups gnomAD compares: Non-Finnish European, 0.012%; no homozygotes.

Submissions (2):

Labcorp Genetics (formerly Invitae), Labcorp
Classification: Likely benign. Last evaluated: 2025-07-03. Review status: criteria provided, single submitter. Criteria: Invitae Variant Classification Sherloc (09022015). Collection method: clinical testing. Allele origin: germline.

CeGaT Center for Human Genetics Tuebingen
Classification: Likely benign. Last evaluated: 2024-05-01. Review status: criteria provided, single submitter. Criteria: CeGaT Center For Human Genetics Tuebingen Variant Classification Criteria Version 2. Collection method: clinical testing. Allele origin: germline. Affected: yes. Observed: 1 variant allele.
Comment: MBTPS1: BP4, BP7